The following is an entry in ClinVar:

ClinVar aggregate classification (germline): Uncertain significance. Review status: criteria provided, multiple submitters, no conflicts (2 of 4 stars). 9 submissions from 9 submitters: Uncertain significance (8). 1 of the submissions does not count toward it. Last evaluated 2026-02-01.

Conditions:
Hereditary cancer-predisposing syndrome. Also called: Hereditary Cancer Syndrome; Neoplastic Syndromes, Hereditary; Tumor predisposition; Hereditary neoplastic syndrome. Identifiers: Orphanet 140162, MedGen C0027672, MeSH D009386, MONDO:0015356.
ATM-related disorder. Also called: ATM-related disorders; ATM-related condition.
Ataxia-telangiectasia syndrome (AT). Also called: Ataxia telangiectasia (A-T); Ataxia-telangiectasia, complementation group E; LOUIS-BAR SYNDROME; Cerebello-oculocutaneous telangiectasia; Immunodeficiency with ataxia telangiectasia; Ataxia-telangiectasia, complementation group D. Identifiers: Orphanet 100, MedGen C0004135, MONDO:0008840, OMIM 208900.
Familial cancer of breast. Also called: Hereditary breast cancer; hereditary breast carcinoma; BREAST CANCER, FAMILIAL. Identifiers: Orphanet 227535, MedGen C0346153, MONDO:0016419, OMIM 114480. Disease mechanism: loss of function.

Submissions (9):

Labcorp Genetics (formerly Invitae), Labcorp
Classification: Uncertain significance for Ataxia-telangiectasia syndrome. Last evaluated: 2026-02-01. Review status: criteria provided, single submitter. Criteria: Invitae Variant Classification Sherloc (09022015). Collection method: clinical testing. Allele origin: germline.
Comment: This sequence change replaces valine, which is neutral and non-polar, with alanine, which is neutral and non-polar, at codon 455 of the ATM protein (p.Val455Ala). This variant is not present in population databases (gnomAD no frequency). This variant has not been reported in the literature in individuals affected with ATM-related conditions. ClinVar contains an entry for this variant (Variation ID: 230788). Invitae Evidence Modeling of protein sequence and biophysical properties (such as structural, functional, and spatial information, amino acid conservation, physicochemical variation, residue mobility, and thermodynamic stability) indicates that this missense variant is not expected to disrupt ATM protein function with a negative predictive value of 95%. In summary, the available evidence is currently insufficient to determine the role of this variant in disease. Therefore, it has been classified as a Variant of Uncertain Significance.

Ambry Genetics
Classification: Uncertain significance for Hereditary cancer-predisposing syndrome. Last evaluated: 2025-10-12. Review status: criteria provided, single submitter. Criteria: Ambry Variant Classification Scheme 2023. Collection method: clinical testing. Allele origin: germline.
Comment: The p.V455A variant (also known as c.1364T>C), located in coding exon 9 of the ATM gene, results from a T to C substitution at nucleotide position 1364. The valine at codon 455 is replaced by alanine, an amino acid with similar properties. This amino acid position is highly conserved in available vertebrate species. In addition, the in silico prediction for this alteration is inconclusive. Since supporting evidence is limited at this time, the clinical significance of this alteration remains unclear.

Department of Pathology and Laboratory Medicine, Sinai Health System
Classification: Uncertain significance for Familial cancer of breast. Last evaluated: 2024-07-16. Review status: criteria provided, single submitter. Criteria: ACMG Guidelines, 2015. Collection method: clinical testing. Allele origin: germline. Affected: yes.

GeneDx
Classification: Uncertain significance. Last evaluated: 2024-04-05. Review status: criteria provided, single submitter. Criteria: GeneDx Variant Classification Process June 2021. Collection method: clinical testing. Allele origin: germline. Affected: yes.
Comment: Not observed at significant frequency in large population cohorts (gnomAD); In silico analysis supports that this missense variant has a deleterious effect on protein structure/function; Has not been previously published as pathogenic or benign to our knowledge

Color Diagnostics, LLC DBA Color Health
Classification: Uncertain significance for Hereditary cancer-predisposing syndrome. Last evaluated: 2024-03-06. Review status: criteria provided, single submitter. Criteria: ACMG Guidelines, 2015. Collection method: clinical testing. Allele origin: germline.
Comment: This missense variant replaces valine with alanine at codon 455 of the ATM protein. Computational prediction suggests that this variant may not impact protein structure and function (internally defined REVEL score threshold <= 0.5, PMID: 27666373). To our knowledge, functional studies have not been reported for this variant. This variant has not been reported in individuals affected with hereditary cancer in the literature. This variant has not been identified in the general population by the Genome Aggregation Database (gnomAD). The available evidence is insufficient to determine the role of this variant in disease conclusively. Therefore, this variant is classified as a Variant of Uncertain Significance.

Baylor Genetics
Classification: Uncertain significance for Familial cancer of breast. Last evaluated: 2024-01-22. Review status: criteria provided, single submitter. Criteria: ACMG Guidelines, 2015. Collection method: clinical testing. Allele origin: unknown.

PreventionGenetics, part of Exact Sciences
Classification: Uncertain significance for ATM-related condition. Last evaluated: 2023-06-26. Review status: criteria provided, single submitter. Criteria: ACMG Guidelines, 2015. Collection method: clinical testing. Allele origin: germline.
Comment: The ATM c.1364T>C variant is predicted to result in the amino acid substitution p.Val455Ala. To our knowledge, this variant has not been reported in the literature or in a large population database, indicating this variant is rare. It is interpreted as uncertain significance in ClinVar. At this time, the clinical significance of this variant is uncertain due to the absence of conclusive functional and genetic evidence.

Women's Health and Genetics/Laboratory Corporation of America, LabCorp
Classification: Uncertain significance. Last evaluated: 2017-01-10. Review status: criteria provided, single submitter. Criteria: LabCorp Variant Classification Summary - May 2015. Collection method: clinical testing. Allele origin: germline.
Comment: Variant summary: The ATM c.1364T>C (p.Val455Ala) variant involves the alteration of a conserved nucleotide. 4/4 in silico tools predict a damaging outcome for this substitution (SNPs&GO not captured due to low reliability index). This variant is absent in 121336 control chromosomes. The variant of interest has not, to our knowledge, been reported in affected individuals via publications; nor evaluated for functional impact by in vivo/vitro studies. One clinical diagnostic laboratory classified this variant as uncertain significance. Because of the absence of clinical information and the lack of functional studies, the variant is classified as a variant of uncertain significance (VUS) until additional information becomes available.

Natera, Inc.
Classification: Uncertain significance for Ataxia-telangiectasia. Last evaluated: 2020-08-06. Review status: no assertion criteria provided. Collection method: clinical testing. Allele origin: germline. Not counted in ClinVar's aggregate classification.

NM_000051.4(ATM):c.1364T>C (p.Val455Ala)

Gene: ATM (ATM serine/threonine kinase; plus strand). Cytogenetic location: 11q22.3.
Variant type: single nucleotide variant.
Coding change: c.1364T>C on transcript NM_000051.4 (MANE Select); coding-DNA position 1364, T replaced by C.
Protein change: p.Val455Ala; replaces valine 455 with alanine.
Molecular consequence: missense variant.
Genome position (GRCh38, 1-based): chr11:108,250,829, T>C. VCF-style: chr11-108250829-T-C. GRCh37 (hg19) VCF-style: chr11-108121556-T-C.
Other names: c.1364T>C, p.Val455Ala (NM_001351834.2); short protein forms V455A.
Identifiers: ClinVar variation 230788 (VCV000230788.29), dbSNP rs876658772, ClinGen allele CA10579004.
Genomic context (GRCh38, chr11:108,250,829, plus strand): 5'-TACTGATGATACTATCTCAGCTTCTACCCCAACAGCGACATGGGGAACGTACACCATATG[T>C]GTTACGATGCCTTACGGAAGTTGCATTGTGTCAAGACAAGAGGTCAAACCTAGAAAGCTC-3'
Protein context (NP_000042.3, residues 445-465): QQRHGERTPY[Val455Ala]LRCLTEVALC